The following is an entry in ClinVar:

NM_001164508.2(NEB):c.24989G>A (p.Arg8330Gln)

Genes: NEB (nebulin; minus strand), RIF1 (replication timing regulatory factor 1; plus strand). Cytogenetic location: 2q23.3.
Variant type: single nucleotide variant.
Coding change: c.24989G>A on transcript NM_001164508.2 (MANE Select); coding-DNA position 24989, G replaced by A.
Protein change: p.Arg8330Gln; replaces arginine 8330 with glutamine.
Molecular consequence: missense variant.
Genome position (GRCh38, 1-based): chr2:151,492,166, C>T on the plus strand (G>A on the coding strand, the complement: NEB is on the minus strand). VCF-style: chr2-151492166-C-T. GRCh37 (hg19) VCF-style: chr2-152348680-C-T.
Other names: c.19421G>A (NM_004543.4); c.24989G>A, p.Arg8330Gln (NM_001164507.2); c.25094G>A, p.Arg8365Gln (NM_001271208.2); c.19421G>A, p.Arg6474Gln (NM_004543.5); short protein forms R6474Q, R8330Q, R8365Q.
Identifiers: ClinVar variation 2671771 (VCV002671771.2), dbSNP rs955142125, ClinGen allele CA57661906.

ClinVar aggregate classification (germline): Uncertain significance. Review status: criteria provided, multiple submitters, no conflicts (2 of 4 stars). 2 submissions from 2 submitters: Uncertain significance (2). Last evaluated 2025-11-20.

Conditions:
Inborn genetic diseases. Identifiers: MedGen C0950123, MeSH D030342.
Nemaline myopathy 2 (NEM2). Also called: Nemaline myopathy 2, autosomal recessive. Identifiers: MedGen C1850569, MONDO:0009725, OMIM 256030.

Allele frequency attached by ClinVar (database versions not stated): TOPMed 0.00005; gnomAD 0.00001; gnomAD exomes 0.00004.
gnomAD v4.1: 62 of 1,613,732 alleles (0.0038%); highest among the groups gnomAD compares: Non-Finnish European, 0.0045%; no homozygotes.

Submissions (2):

Ambry Genetics
Classification: Uncertain significance for Inborn genetic diseases. Last evaluated: 2025-11-20. Review status: criteria provided, single submitter. Criteria: Ambry Variant Classification Scheme 2023. Collection method: clinical testing. Allele origin: germline.

Neuberg Centre For Genomic Medicine, NCGM
Classification: Uncertain significance for Nemaline myopathy 2. Last evaluated: 2023-02-14. Review status: criteria provided, single submitter. Criteria: ACMG Guidelines, 2015. Collection method: clinical testing. Allele origin: germline. Inheritance: Autosomal recessive inheritance. Affected: yes.
Comment: The missense c.24989G>A(p.Arg8330Gln) variant in NEB gene has not been reported previously as a pathogenic variant nor as a benign variant, to our knowledge. The p.Arg8330Gln variant is novel (not in any individuals) in gnomAD Exomes and 1000 Genomes. This variant has not been reported to the ClinVar database. The amino acid change p.Arg8330Gln in NEB is predicted as conserved by GERP++ and PhyloP across 100 vertebrates. The amino acid Arg at position 8330 is changed to a Gln changing protein sequence and it might alter its composition and physico-chemical properties. For these reasons, this variant has been classified as Variant of Uncertain Significance (VUS).